The following is an entry in ClinVar:

ClinVar aggregate classification (germline): Uncertain significance (1 of 4 stars; one submission).

Conditions:
Dyskeratosis congenita, autosomal dominant 2. Identifiers: MedGen C3151443, MONDO:0013521, OMIM 613989.
Idiopathic Pulmonary Fibrosis. Also called: Idiopathic fibrosing alveolitis, chronic form; idiopathic fibrosing alveolitis. Identifiers: Orphanet 2032, MedGen C1800706, MeSH D054990, MONDO:0800504.

Submission:

Labcorp Genetics (formerly Invitae), Labcorp
Classification: Uncertain significance for Dyskeratosis congenita, autosomal dominant 2; Idiopathic Pulmonary Fibrosis. Last evaluated: 2016-09-01. Review status: criteria provided, single submitter. Criteria: Invitae Variant Classification Sherloc (09022015). Collection method: clinical testing. Allele origin: germline.
Comment: This sequence change replaces serine with isoleucine at codon 802 of the TERT protein (p.Ser802Ile). The serine residue is moderately conserved and there is a large physicochemical difference between serine and isoleucine. In summary, this variant is a novel missense change with uncertain impact on protein function. Therefore, it has been classified as a Variant of Uncertain Significance. Algorithms developed to predict the effect of missense changes on protein structure and function do not agree on the potential impact of this missense change (SIFT: "Deleterious"; PolyPhen-2: "Probably Damaging"; Align-GVGD: "Class C15"). This variant is not present in population databases (ExAC no frequency) and has not been reported in the literature in individuals with a TERT-related disease.

NM_198253.3(TERT):c.2405G>T (p.Ser802Ile)

Gene: TERT (telomerase reverse transcriptase; minus strand). Cytogenetic location: 5p15.33.
Variant type: single nucleotide variant.
Coding change: c.2405G>T on transcript NM_198253.3 (MANE Select); coding-DNA position 2405, G replaced by T.
Protein change: p.Ser802Ile; replaces serine 802 with isoleucine.
Molecular consequence: missense variant.
Genome position (GRCh38, 1-based): chr5:1,271,182, C>A on the plus strand (G>T on the coding strand, the complement: TERT is on the minus strand). VCF-style: chr5-1271182-C-A. GRCh37 (hg19) VCF-style: chr5-1271297-C-A.
Other names: c.2405G>T, p.Ser802Ile (NM_001193376.3); short protein forms S802I.
Identifiers: ClinVar variation 410681 (VCV000410681.9), dbSNP rs1060503004, ClinGen allele CA16611668.